The following is an entry in ClinVar:

ClinVar aggregate classification (germline): Likely pathogenic (1 of 4 stars; one submission).

Conditions:
Pyridoxine-dependent epilepsy (EPEO4). Also called: Pyridoxine-Dependent Seizures; PYRIDOXINE DEPENDENCY WITH SEIZURES; EPILEPSY, EARLY-ONSET, 4, VITAMIN B6-DEPENDENT; Pyridoxine-Dependent Epilepsy - ALDH7A1. Identifiers: Orphanet 3006, MedGen C1849508, MONDO:0009945, OMIM 266100. Disease mechanism: loss of function.

Submission:

Labcorp Genetics (formerly Invitae), Labcorp
Classification: Likely pathogenic for Pyridoxine-dependent epilepsy. Last evaluated: 2023-06-25. Review status: criteria provided, single submitter. Criteria: Invitae Variant Classification Sherloc (09022015). Collection method: clinical testing. Allele origin: germline.
Comment: This sequence change affects an acceptor splice site in intron 8 of the ALDH7A1 gene. It is expected to disrupt RNA splicing. Variants that disrupt the donor or acceptor splice site typically lead to a loss of protein function (PMID: 16199547), and loss-of-function variants in ALDH7A1 are known to be pathogenic (PMID: 16491085, 20554659). This variant is not present in population databases (gnomAD no frequency). This variant has not been reported in the literature in individuals affected with ALDH7A1-related conditions. Algorithms developed to predict the effect of sequence changes on RNA splicing suggest that this variant may disrupt the consensus splice site. In summary, the currently available evidence indicates that the variant is pathogenic, but additional data are needed to prove that conclusively. Therefore, this variant has been classified as Likely Pathogenic.

Literature cited by the submitters: PubMed 16199547; PubMed 16491085; PubMed 20554659.

NM_001182.5(ALDH7A1):c.774-2A>G

Gene: ALDH7A1 (aldehyde dehydrogenase 7 family member A1; minus strand). Cytogenetic location: 5q23.2.
Variant type: single nucleotide variant.
Coding change: c.774-2A>G on transcript NM_001182.5 (MANE Select); the canonical splice acceptor site of the intron before coding-DNA position 774, A replaced by G.
Molecular consequence: splice acceptor variant.
Genome position (GRCh38, 1-based): chr5:126,568,358, T>C on the plus strand (A>G on the coding strand, the complement: ALDH7A1 is on the minus strand). VCF-style: chr5-126568358-T-C. GRCh37 (hg19) VCF-style: chr5-125904050-T-C.
Other names: c.774-2A>G (NM_001202404.2); c.690-2A>G (NM_001201377.2).
Identifiers: ClinVar variation 2728525 (VCV002728525.3), dbSNP rs2480298774, ClinGen allele CA360729527.